The following is an entry in ClinVar:

NM_007294.4(BRCA1):c.164A>T (p.Lys55Met)

Gene: BRCA1 (BRCA1 DNA repair associated; minus strand). Cytogenetic location: 17q21.31.
Variant type: single nucleotide variant.
Coding change: c.164A>T on transcript NM_007294.4 (MANE Select); coding-DNA position 164, A replaced by T.
Protein change: p.Lys55Met; replaces lysine 55 with methionine.
Molecular consequence: missense variant. On other transcripts: non-coding transcript variant (1).
Genome position (GRCh38, 1-based): chr17:43,106,504, T>A on the plus strand (A>T on the coding strand, the complement: BRCA1 is on the minus strand). VCF-style: chr17-43106504-T-A. GRCh37 (hg19) VCF-style: chr17-41258521-T-A.
Other names: c.164A>T, p.Lys55Met (NM_001407985.1, NM_001407986.1, NM_001407990.1 and 168 more transcripts); c.23A>T, p.Lys8Met (NM_001408410.1, NM_001408452.1, NM_001408453.1 and 99 more transcripts); c.-25A>T (NM_001408478.1, NM_001408479.1, NM_001408480.1 and 58 more transcripts); short protein forms K8M, K55M.
Identifiers: ClinVar variation 867290 (VCV000867290.3), dbSNP rs2054786724, ClinGen allele CA10601827.
Genomic context (GRCh38, chr17:43,106,504, plus strand): 5'-CAAATTATATACCTTTTGGTTATATCATTCTTACATAAAGGACACTGTGAAGGCCCTTTC[T>A]TCTGGTTGAGAAGTTTCAGCATGCAAAATCTATAAATTATAAAGAAAGAAAGAACAATTT-3'
Protein context (NP_009225.1, residues 45-65): KFCMLKLLNQ[Lys55Met]KGPSQCPLCK

Conditions:
Breast-ovarian cancer, familial, susceptibility to, 1 (BROVCA1). Also called: BRCA1 Hereditary Breast and Ovarian Cancer; OVARIAN CANCER, SUSCEPTIBILITY TO. Identifiers: Orphanet 145, MedGen C2676676, MONDO:0011450, OMIM 604370. Disease mechanism: loss of function.

Submission:

Brotman Baty Institute, University of Washington
No classification provided (evidence only). Condition: Breast-ovarian cancer, familial 1. Review status: no classification provided. Collection method: in vitro. Allele origin: not applicable. Functional consequence: functionally_normal.
ClinVar note: "not provided" was previously submitted as the classification for the variant. However, the classification appeared to be based only on an observation of functional data so it was converted to no classification on 2025-07-30.